The following is an entry in ClinVar:

NM_177438.3(DICER1):c.1948G>T (p.Ala650Ser)

Gene: DICER1 (dicer 1, ribonuclease III; minus strand). Cytogenetic location: 14q32.13.
Variant type: single nucleotide variant.
Coding change: c.1948G>T on transcript NM_177438.3 (MANE Select); coding-DNA position 1948, G replaced by T.
Protein change: p.Ala650Ser; replaces alanine 650 with serine.
Molecular consequence: missense variant.
Genome position (GRCh38, 1-based): chr14:95,113,184, C>A on the plus strand (G>T on the coding strand, the complement: DICER1 is on the minus strand). VCF-style: chr14-95113184-C-A. GRCh37 (hg19) VCF-style: chr14-95579521-C-A.
Other names: c.1948G>T, p.Ala650Ser (NM_001195573.1, NM_001271282.3, NM_001291628.2 and 1 more transcripts); short protein forms A650S.
Identifiers: ClinVar variation 1015250 (VCV001015250.10), dbSNP rs1595397085, ClinGen allele CA390883420.

ClinVar aggregate classification (germline): Uncertain significance (1 of 4 stars; one submission).

Conditions:
DICER1-related tumor predisposition. Also called: DICER1-related pleuropulmonary blastoma cancer predisposition syndrome; DICER1 syndrome. Identifiers: Orphanet 284343, MedGen C3839822, MONDO:0100216.

Submission:

Labcorp Genetics (formerly Invitae), Labcorp
Classification: Uncertain significance for DICER1-related tumor predisposition. Last evaluated: 2020-03-18. Review status: criteria provided, single submitter. Criteria: Invitae Variant Classification Sherloc (09022015). Collection method: clinical testing. Allele origin: germline.
Comment: This variant is not present in population databases (ExAC no frequency). This variant has not been reported in the literature in individuals with DICER1-related conditions. Algorithms developed to predict the effect of missense changes on protein structure and function are either unavailable or do not agree on the potential impact of this missense change (SIFT: "Tolerated"; PolyPhen-2: "Possibly Damaging"; Align-GVGD: "Class C0"). In summary, the available evidence is currently insufficient to determine the role of this variant in disease. Therefore, it has been classified as a Variant of Uncertain Significance. This sequence change replaces alanine with serine at codon 650 of the DICER1 protein (p.Ala650Ser). The alanine residue is highly conserved and there is a moderate physicochemical difference between alanine and serine.